The following is an entry in ClinVar:

NM_017763.6(RNF43):c.2052C>T (p.Tyr684=)

Gene: RNF43 (ring finger protein 43; minus strand). Cytogenetic location: 17q22.
Variant type: single nucleotide variant.
Coding change: c.2052C>T on transcript NM_017763.6 (MANE Select); coding-DNA position 2052, C replaced by T.
Protein change: p.Tyr684=; no amino-acid change (tyrosine 684 retained).
Molecular consequence: synonymous variant.
Genome position (GRCh38, 1-based): chr17:58,357,724, G>A on the plus strand (C>T on the coding strand, the complement: RNF43 is on the minus strand). VCF-style: chr17-58357724-G-A. GRCh37 (hg19) VCF-style: chr17-56435085-G-A.
Other names: c.2052C>T, p.Tyr684= (NM_001305544.3, NM_001438820.1, NM_001438821.1 and 1 more transcripts); c.1671C>T, p.Tyr557= (NM_001305545.2, NM_001437987.1).
Identifiers: ClinVar variation 5042420 (VCV005042420.1).

ClinVar aggregate classification (germline): Benign (1 of 4 stars; one submission).

Conditions:
Sessile serrated polyposis cancer syndrome (SSPCS). Identifiers: Orphanet 157798, MedGen C4310714, MONDO:0014919, OMIM 617108.

Submission:

Myriad Genetics, Inc.
Classification: Benign for Sessile serrated polyposis cancer syndrome. Last evaluated: 2026-07-02. Review status: criteria provided, single submitter. Criteria: Myriad Autosomal Dominant, Autosomal Recessive and X-Linked Classification Criteria (2023). Collection method: clinical testing. Allele origin: unknown.
Comment: This variant is considered benign. This variant is a silent/synonymous amino acid change and it is not expected to impact splicing.